The following is an entry in ClinVar:

ClinVar aggregate classification (germline): Pathogenic (1 of 4 stars; one submission).

Conditions:
Autosomal recessive spinocerebellar ataxia 18. Identifiers: Orphanet 363432, MedGen C4015505, MONDO:0014530, OMIM 616204.

Submission:

Broad Center for Mendelian Genomics, Broad Institute of MIT and Harvard
Classification: Pathogenic for Autosomal recessive spinocerebellar ataxia 18. Last evaluated: 2023-08-24. Review status: criteria provided, single submitter. Criteria: ACMG/ClinGen CNV Guidelines, 2019. Collection method: research. Allele origin: unknown. Inheritance: Autosomal recessive inheritance. Affected: yes.
Comment: These breakpoints have been estimated by exome sequencing only and therefore may not reflect the true breakpoints. Inheritance information is unavailable. The patient phenotype is nonspecific, but is consistent with cases described in the literature and/or published databases with overlapping variants. This intragenic variant is predicted to cause loss of the methionine initiation codon. This alteration is then predicted to lead to a truncated or absent protein. Loss of function of GRID2 is an established disease mechanism in autosomal recessive spinocerebellar ataxia. More than 30 affected individuals have been reported with the phenotype and biallelic variants in GRID2 (PMID: 35769960) and a knockout GRID2 mouse model showed cerebellar ataxia (PMID: 7736576, 9628817). A slightly larger deletion has been identified in 0.04% (1/2416) of East Asian chromosomes by the Genome Aggregation Database (gnomAD; Structural variant: DEL_4_47837). Although a deletion overlapping the region of this CNV has been seen in the general population in a heterozygous state, its frequency is not high enough to rule out a pathogenic role. In summary, this variant meets criteria to be classified as pathogenic for autosomal recessive spinocerebellar ataxia. The ACMG/ClinGen evidence codes and points used in this curation are as follows: 1: 0 points, 2: 0.9 points, 3: 0 points, 4-5: 0.15 points; Total: 1.05 points; Riggs 2020 (PMID: 31690835).

Literature cited by the submitters: PubMed 35769960; PubMed 7736576; PubMed 9628817.

GRCh38/hg38 4q22.1(chr4:92303869-92304842)x0

Genes: GRID2 (glutamate ionotropic receptor delta type subunit 2; plus strand), GRID2-AS1 (GRID2 antisense RNA 1; minus strand). Cytogenetic location: 4q22.1.
Variant type: copy number loss.
Change: copy number 0 (both copies lost) of chr4:92,303,869-92,304,842 (1.0 kb, GRCh38 coordinates, 1-based), cytogenetic band 4q22.1.
Identifiers: ClinVar variation 2579188 (VCV002579188.1).